The following is an entry in ClinVar:

NM_003587.5(DHX16):c.1993C>A (p.Pro665Thr)

Gene: DHX16 (DEAH-box helicase 16; minus strand). Cytogenetic location: 6p21.33.
Variant type: single nucleotide variant.
Coding change: c.1993C>A on transcript NM_003587.5 (MANE Select); coding-DNA position 1993, C replaced by A.
Protein change: p.Pro665Thr; replaces proline 665 with threonine.
Molecular consequence: missense variant.
Genome position (GRCh38, 1-based): chr6:30,659,486, G>T on the plus strand (C>A on the coding strand, the complement: DHX16 is on the minus strand). VCF-style: chr6-30659486-G-T. GRCh37 (hg19) VCF-style: chr6-30627263-G-T.
Other names: c.1813C>A, p.Pro605Thr (NM_001164239.2); c.550C>A, p.Pro184Thr (NM_001363515.2); short protein forms P184T, P605T, P665T.
Identifiers: ClinVar variation 3778510 (VCV003778510.7).

ClinVar aggregate classification (germline): Uncertain significance (1 of 4 stars; one submission).

Submission:

CeGaT Center for Human Genetics Tuebingen
Classification: Uncertain significance. Last evaluated: 2025-03-01. Review status: criteria provided, single submitter. Criteria: CeGaT Center For Human Genetics Tuebingen Variant Classification Criteria Version 2. Collection method: clinical testing. Allele origin: germline. Affected: yes. Observed: 1 variant allele.
Comment: DHX16: PM2